The following is an entry in ClinVar:

ClinVar aggregate classification (germline): Conflicting classifications of pathogenicity. Review status: criteria provided, conflicting classifications (1 of 4 stars). 6 submissions from 6 submitters: Uncertain significance (1); Likely benign (5). Last evaluated 2026-04-20.

Conditions:
Epidermolysis bullosa simplex with nail dystrophy (EBS5D). Identifiers: MedGen C4225309, MONDO:0014661, OMIM 616487.
Epidermolysis bullosa simplex, Ogna type (EBS5A). Also called: Pidermolysis bullosa simplex 5A, Ogna type; EPIDERMOLYSIS BULLOSA SIMPLEX 5A, OGNA TYPE. Identifiers: Orphanet 79401, MedGen C0432317, MONDO:0007555, OMIM 131950.
Epidermolysis bullosa simplex 5C, with pyloric atresia (EBS5C). Also called: PLEC1-Related Epidermolysis Bullosa with Pyloric Atresia; PLEC-Related Epidermolysis Bullosa with Pyloric Atresia; Epidermolysis bullosa simplex with pyloric atresia. Identifiers: Orphanet 158684, MedGen C2677349, MONDO:0012807, OMIM 612138.
Epidermolysis bullosa simplex 5B, with muscular dystrophy (EBS5B). Also called: Epidermolysis bullosa simplex with muscular dystrophy; EPIDERMOLYSIS BULLOSA SIMPLEX AND LIMB-GIRDLE MUSCULAR DYSTROPHY. Identifiers: Orphanet 257, MedGen C2931072, MONDO:0009181, OMIM 226670.
Autosomal recessive limb-girdle muscular dystrophy type 2Q (LGMDR17). Also called: MUSCULAR DYSTROPHY, LIMB-GIRDLE, AUTOSOMAL RECESSIVE 17. Identifiers: Orphanet 254361, MedGen C3150989, MONDO:0013390, OMIM 613723.

Allele frequency attached by ClinVar (database versions not stated): gnomAD exomes 0.00006 and 0.00009; ExAC 0.00008; ESP Exome Variant Server 0.00008; TOPMed 0.00015; gnomAD 0.00016 and 0.00017.
gnomAD v4.1: 117 of 1,612,930 alleles (0.0073%); highest among the groups gnomAD compares: African/African-American, 0.028%; 1 homozygote.

Submissions (6):

Women's Health and Genetics/Laboratory Corporation of America, LabCorp
Classification: Likely benign. Last evaluated: 2026-04-20. Review status: criteria provided, single submitter. Criteria: LabCorp Variant Classification Summary - May 2015. Collection method: clinical testing. Allele origin: germline.

Labcorp Genetics (formerly Invitae), Labcorp
Classification: Likely benign for Autosomal recessive limb-girdle muscular dystrophy type 2Q; Epidermolysis bullosa simplex, Ogna type; Epidermolysis bullosa simplex with nail dystrophy; Epidermolysis bullosa simplex 5C, with pyloric atresia; Epidermolysis bullosa simplex 5B, with muscular dystrophy. Last evaluated: 2024-11-10. Review status: criteria provided, single submitter. Criteria: Invitae Variant Classification Sherloc (09022015). Collection method: clinical testing. Allele origin: germline.

Blueprint Genetics
Classification: Likely benign. Last evaluated: 2024-04-29. Review status: criteria provided, single submitter. Criteria: ACMG Guidelines, 2015. Collection method: clinical testing. Allele origin: germline.

Revvity Omics, Revvity
Classification: Likely benign. Last evaluated: 2023-11-06. Review status: criteria provided, single submitter. Criteria: ACMG Guidelines, 2015. Collection method: clinical testing. Allele origin: germline.

CeGaT Center for Human Genetics Tuebingen
Classification: Likely benign. Last evaluated: 2022-03-01. Review status: criteria provided, single submitter. Criteria: CeGaT Center For Human Genetics Tuebingen Variant Classification Criteria Version 2. Collection method: clinical testing. Allele origin: germline. Affected: yes. Observed: 1 variant allele.
Comment: PLEC: BP4, BP7

Eurofins Ntd Llc (ga)
Classification: Uncertain significance. Last evaluated: 2018-06-08. Review status: criteria provided, single submitter. Criteria: EGL ClinVar v180209 classification definitions. Collection method: clinical testing. Allele origin: germline. Observed: 1 variant allele, 1 heterozygote.

NM_201384.3(PLEC):c.10011G>A (p.Thr3337=)

Gene: PLEC (plectin; minus strand). Cytogenetic location: 8q24.3.
Variant type: single nucleotide variant.
Coding change: c.10011G>A on transcript NM_201384.3 (MANE Select); coding-DNA position 10011, G replaced by A.
Protein change: p.Thr3337=; no amino-acid change (threonine 3337 retained).
Molecular consequence: synonymous variant.
Genome position (GRCh38, 1-based): chr8:143,919,810, C>T on the plus strand (G>A on the coding strand, the complement: PLEC is on the minus strand). VCF-style: chr8-143919810-C-T. GRCh37 (hg19) VCF-style: chr8-144993978-C-T.
Other names: c.10092G>A, p.Thr3364= (NM_000445.5); c.9969G>A, p.Thr3323= (NM_201378.4); c.9945G>A, p.Thr3315= (NM_201379.3); c.10422G>A, p.Thr3474= (NM_201380.4); c.9915G>A, p.Thr3305= (NM_201381.3); c.10011G>A, p.Thr3337= (NM_201382.4); c.10023G>A, p.Thr3341= (NM_201383.3).
Identifiers: ClinVar variation 597423 (VCV000597423.41), dbSNP rs367762942, ClinGen allele CA4924789.